The following is an entry in ClinVar:

NM_003051.4(SLC16A1):c.1296T>G (p.Ile432Met)

Gene: SLC16A1 (solute carrier family 16 member 1; minus strand). Cytogenetic location: 1p13.2.
Variant type: single nucleotide variant.
Coding change: c.1296T>G on transcript NM_003051.4 (MANE Select); coding-DNA position 1296, T replaced by G.
Protein change: p.Ile432Met; replaces isoleucine 432 with methionine.
Molecular consequence: missense variant.
Genome position (GRCh38, 1-based): chr1:112,914,098, A>C on the plus strand (T>G on the coding strand, the complement: SLC16A1 is on the minus strand). VCF-style: chr1-112914098-A-C. GRCh37 (hg19) VCF-style: chr1-113456720-A-C.
Other names: c.1296T>G, p.Ile432Met (NM_001166496.2); short protein forms I432M.
Identifiers: ClinVar variation 4995148 (VCV004995148.1).

ClinVar aggregate classification (germline): Uncertain significance (1 of 4 stars; one submission).

Conditions:
SLC16A1-related disorder. Also called: SLC16A1-related disorders; SLC16A1-related condition.

Submission:

PreventionGenetics, part of Exact Sciences
Classification: Uncertain significance for SLC16A1-related condition. Last evaluated: 2025-10-09. Review status: criteria provided, single submitter. Criteria: ACMG Guidelines, 2015. Collection method: clinical testing. Allele origin: germline.
Comment: The SLC16A1 c.1296T>G variant is predicted to result in the amino acid substitution p.Ile432Met. To our knowledge, this variant has not been reported in the literature or in a large population database (gnomAD), indicating this variant is rare. At this time, the clinical significance of this variant is uncertain due to the absence of conclusive functional and genetic evidence.